The following is an entry in ClinVar:

ClinVar aggregate classification (germline): Likely benign (1 of 4 stars; one submission).

Submission:

CeGaT Center for Human Genetics Tuebingen
Classification: Likely benign. Last evaluated: 2023-08-01. Review status: criteria provided, single submitter. Criteria: CeGaT Center For Human Genetics Tuebingen Variant Classification Criteria Version 2. Collection method: clinical testing. Allele origin: germline. Affected: yes. Observed: 1 variant allele.
Comment: MUC6: BP4, BP7

NM_005961.3(MUC6):c.5598T>C (p.Ser1866=)

Gene: MUC6 (mucin 6, oligomeric mucus/gel-forming (gene/pseudogene); minus strand). Cytogenetic location: 11p15.5.
Variant type: single nucleotide variant.
Coding change: c.5598T>C on transcript NM_005961.3 (MANE Select); coding-DNA position 5598, T replaced by C.
Protein change: p.Ser1866=; no amino-acid change (serine 1866 retained).
Molecular consequence: synonymous variant.
Genome position (GRCh38, 1-based): chr11:1,017,203, A>G on the plus strand (T>C on the coding strand, the complement: MUC6 is on the minus strand). VCF-style: chr11-1017203-A-G. GRCh37 (hg19) VCF-style: chr11-1017203-A-G.
Identifiers: ClinVar variation 2641105 (VCV002641105.24), dbSNP rs1413793216, ClinGen allele CA472443176.